The following is an entry in ClinVar:

ClinVar aggregate classification (germline): Uncertain significance (1 of 4 stars; one submission).

Allele frequency attached by ClinVar (database versions not stated): gnomAD 0.00001; TOPMed 0.00002.
gnomAD v4.1: 3 of 1,614,000 alleles (0.00019%); highest among the groups gnomAD compares: East Asian, 0.0022%; no homozygotes.

Submission:

Labcorp Genetics (formerly Invitae), Labcorp
Classification: Uncertain significance. Last evaluated: 2022-06-13. Review status: criteria provided, single submitter. Criteria: Invitae Variant Classification Sherloc (09022015). Collection method: clinical testing. Allele origin: germline.
Comment: This sequence change replaces cysteine, which is neutral and slightly polar, with tyrosine, which is neutral and polar, at codon 2040 of the CPLANE1 protein (p.Cys2040Tyr). In summary, the available evidence is currently insufficient to determine the role of this variant in disease. Therefore, it has been classified as a Variant of Uncertain Significance. Advanced modeling of protein sequence and biophysical properties (such as structural, functional, and spatial information, amino acid conservation, physicochemical variation, residue mobility, and thermodynamic stability) performed at Invitae indicates that this missense variant is not expected to disrupt CPLANE1 protein function. This variant has not been reported in the literature in individuals affected with CPLANE1-related conditions. This variant is not present in population databases (gnomAD no frequency).

NM_001384732.1(CPLANE1):c.6119G>A (p.Cys2040Tyr)

Gene: CPLANE1 (ciliogenesis and planar polarity effector complex subunit 1; minus strand). Cytogenetic location: 5p13.2.
Variant type: single nucleotide variant.
Coding change: c.6119G>A on transcript NM_001384732.1 (MANE Select); coding-DNA position 6119, G replaced by A.
Protein change: p.Cys2040Tyr; replaces cysteine 2040 with tyrosine.
Molecular consequence: missense variant.
Genome position (GRCh38, 1-based): chr5:37,173,807, C>T on the plus strand (G>A on the coding strand, the complement: CPLANE1 is on the minus strand). VCF-style: chr5-37173807-C-T. GRCh37 (hg19) VCF-style: chr5-37173909-C-T.
Other names: c.6119G>A, p.Cys2040Tyr (NM_023073.4); short protein forms C2040Y.
Identifiers: ClinVar variation 2161704 (VCV002161704.2), dbSNP rs1780437107, ClinGen allele CA359484841.